The following is an entry in ClinVar:

ClinVar aggregate classification (germline): Uncertain significance. Review status: criteria provided, multiple submitters, no conflicts (2 of 4 stars). 2 submissions from 2 submitters: Uncertain significance (2). Last evaluated 2023-08-10.

Conditions:
Inborn genetic diseases. Identifiers: MedGen C0950123, MeSH D030342.

Allele frequency attached by ClinVar (database versions not stated): TOPMed 0.00018; gnomAD 0.00021; ESP Exome Variant Server 0.00023; ExAC 0.00025; 1000 Genomes Project 30x 0.00031; gnomAD exomes 0.00039; 1000 Genomes Project 0.00040.
gnomAD v4.1: 584 of 1,611,554 alleles (0.036%); highest among the groups gnomAD compares: Non-Finnish European, 0.048%; no homozygotes.

Submissions (2):

Labcorp Genetics (formerly Invitae), Labcorp
Classification: Uncertain significance. Last evaluated: 2023-08-10. Review status: criteria provided, single submitter. Criteria: Invitae Variant Classification Sherloc (09022015). Collection method: clinical testing. Allele origin: germline.
Comment: This sequence change replaces threonine, which is neutral and polar, with methionine, which is neutral and non-polar, at codon 311 of the PRUNE1 protein (p.Thr311Met). This variant is present in population databases (rs139153854, gnomAD 0.04%). This variant has not been reported in the literature in individuals affected with PRUNE1-related conditions. ClinVar contains an entry for this variant (Variation ID: 2039387). Algorithms developed to predict the effect of missense changes on protein structure and function output the following: SIFT: "Not Available"; PolyPhen-2: "Benign"; Align-GVGD: "Not Available". The methionine amino acid residue is found in multiple mammalian species, which suggests that this missense change does not adversely affect protein function. In summary, the available evidence is currently insufficient to determine the role of this variant in disease. Therefore, it has been classified as a Variant of Uncertain Significance.

Ambry Genetics
Classification: Uncertain significance for Inborn genetic diseases. Last evaluated: 2021-01-15. Review status: criteria provided, single submitter. Criteria: Ambry Variant Classification Scheme 2023. Collection method: clinical testing. Allele origin: germline.

NM_021222.3(PRUNE1):c.932C>T (p.Thr311Met)

Gene: PRUNE1 (prune exopolyphosphatase 1; plus strand). Cytogenetic location: 1q21.3.
Variant type: single nucleotide variant.
Coding change: c.932C>T on transcript NM_021222.3 (MANE Select); coding-DNA position 932, C replaced by T.
Protein change: p.Thr311Met; replaces threonine 311 with methionine.
Molecular consequence: missense variant. On other transcripts: non-coding transcript variant (1), intron variant (1).
Genome position (GRCh38, 1-based): chr1:151,028,943, C>T. VCF-style: chr1-151028943-C-T. GRCh37 (hg19) VCF-style: chr1-151001419-C-T.
Other names: c.386C>T, p.Thr129Met (NM_001303229.2); c.329C>T, p.Thr110Met (NM_001303243.2); c.774+1616C>T (NM_001303242.2); short protein forms T110M, T311M, T129M.
Identifiers: ClinVar variation 2039387 (VCV002039387.3), dbSNP rs139153854, ClinGen allele CA1083907.